The following is an entry in ClinVar:

ClinVar aggregate classification (germline): Pathogenic (1 of 4 stars; one submission).

Conditions:
Telangiectasia, hereditary hemorrhagic, type 2 (HHT2). Also called: ACVRL1-Related Hereditary Hemorrhagic Telangiectasia; Telangiectasia, hereditary hemorrhagic, type II. Identifiers: Orphanet 774, MedGen C1838163, MONDO:0010880, OMIM 600376. Disease mechanism: loss of function.

Submission:

Labcorp Genetics (formerly Invitae), Labcorp
Classification: Pathogenic for Telangiectasia, hereditary hemorrhagic, type 2. Last evaluated: 2017-10-27. Review status: criteria provided, single submitter. Criteria: Invitae Variant Classification Sherloc (09022015). Collection method: clinical testing. Allele origin: germline.
Comment: This variant has not been reported in the literature in individuals with ACVRL1-related disease. For these reasons, this variant has been classified as Pathogenic. A truncation (p.Arg479*) and a subgenic deletion (Ex10del) that lie downstream of this variant has been determined to be pathogenic (PMID: 15024723, 23722869, 16861286, 20414677). This suggests that deletion of this region of the ACVRL1 protein is causative of disease. Nucleotide substitutions within the consensus splice site are a relatively common cause of aberrant splicing (PMID: 17576681, 9536098). Algorithms developed to predict the effect of sequence changes on RNA splicing suggest that this variant may disrupt the consensus splice site, but this prediction has not been confirmed by published transcriptional studies. This variant is not present in population databases (ExAC no frequency). This sequence change affects a donor splice site in the last intron (intron 9) of the ACVRL1 gene. While this is not anticipated to result in nonsense mediated decay, it likely alters RNA splicing and results in a disrupted protein product.

Literature cited by the submitters: PubMed 15024723; PubMed 23722869; PubMed 16861286; PubMed 20414677; PubMed 17576681; PubMed 9536098.

NM_000020.3(ACVRL1):c.1377+2T>G

Gene: ACVRL1 (activin A receptor like type 1; plus strand). Cytogenetic location: 12q13.13.
Variant type: single nucleotide variant.
Coding change: c.1377+2T>G on transcript NM_000020.3 (MANE Select); the canonical splice donor site of the intron after coding-DNA position 1377, T replaced by G.
Molecular consequence: splice donor variant. On other transcripts: missense variant (3).
Genome position (GRCh38, 1-based): chr12:51,919,117, T>G. VCF-style: chr12-51919117-T-G. GRCh37 (hg19) VCF-style: chr12-52312901-T-G.
Other names: c.1379T>G, p.Val460Gly (NM_001406488.1, NM_001406489.1); c.1067T>G, p.Val356Gly (NM_001406493.1); c.1377+2T>G (NM_001406487.1, NM_001077401.2); c.1065+2T>G (NM_001406491.1, NM_001406492.1); c.1221+2T>G (NM_001406490.1); c.867+2T>G (NM_001406494.1); c.813+2T>G (NM_001406495.1); short protein forms V356G, V460G.
Identifiers: ClinVar variation 533354 (VCV000533354.9), dbSNP rs1555153854, ClinGen allele CA384904889.